The following is an entry in ClinVar:

ClinVar aggregate classification (germline): Likely pathogenic. Review status: criteria provided, multiple submitters, no conflicts (2 of 4 stars). 2 submissions from 2 submitters: Likely pathogenic (2). Last evaluated 2024-02-22.

Conditions:
Autosomal recessive limb-girdle muscular dystrophy type 2J (LGMDR10). Also called: Limb-girdle muscular dystrophy, type 2J; MUSCULAR DYSTROPHY, LIMB-GIRDLE, AUTOSOMAL RECESSIVE 10. Identifiers: Orphanet 140922, MedGen C1837342, MONDO:0012127, OMIM 608807.
Dilated cardiomyopathy 1G (CMD1G). Identifiers: Orphanet 154, MedGen C1858763, MONDO:0011400, OMIM 604145.
Cardiovascular phenotype. Identifiers: MedGen CN230736.

Submissions (2):

Labcorp Genetics (formerly Invitae), Labcorp
Classification: Likely pathogenic for Dilated cardiomyopathy 1G; Autosomal recessive limb-girdle muscular dystrophy type 2J. Last evaluated: 2024-02-22. Review status: criteria provided, single submitter. Criteria: Invitae Variant Classification Sherloc (09022015). Collection method: clinical testing. Allele origin: germline.
Comment: This sequence change creates a premature translational stop signal (p.Gln27630*) in the TTN gene. While this is not anticipated to result in nonsense mediated decay, it is expected to create a truncated TTN protein. This variant is not present in population databases (gnomAD no frequency). This variant has not been reported in the literature in individuals affected with TTN-related conditions. ClinVar contains an entry for this variant (Variation ID: 2323782). This variant is located in the A band of TTN (PMID: 25589632). Truncating variants in this region are significantly overrepresented in patients affected with dilated cardiomyopathy (PMID: 25589632). Truncating variants in this region have also been reported in individuals affected with autosomal recessive centronuclear myopathy (PMID: 23975875). In summary, the currently available evidence indicates that the variant is pathogenic, but additional data are needed to prove that conclusively. Therefore, this variant has been classified as Likely Pathogenic.

Ambry Genetics
Classification: Likely pathogenic for Cardiovascular phenotype. Last evaluated: 2022-12-14. Review status: criteria provided, single submitter. Criteria: Ambry Variant Classification Scheme 2023. Collection method: clinical testing. Allele origin: germline.
Comment: The c.55693C>T (p.Q18565*) alteration, located in exon 154 (coding exon 153) of the TTN gene, consists of a C to T substitution at nucleotide position 55693. This changes the amino acid from a glutamine (Q) to a stop codon at amino acid position 18565. This alteration is expected to result in loss of function by premature protein truncation or nonsense-mediated mRNA decay._x000D_ _x000D_ Based on the available evidence, the TTN c.55693C>T (p.Q18565*) alteration is classified as likely pathogenic for TTN-related dilated cardiomyopathy; however, its clinical significance for other TTN-related disorders is unclear. This variant was not reported in population-based cohorts in the Genome Aggregation Database (gnomAD). This exon is located in the A-band region of the N2-B isoform of the titin protein and is constitutively expressed in TTN transcripts (percent spliced in or PSI 100%). While truncating variants in TTN are present in 1-3% of the general population, truncating variants in the A-band are the most common cause of dilated cardiomyopathy (DCM) (Herman, 2012; Roberts, 2015). TTN truncating variants encoded in constitutive exons (PSI >90%) have been found to be significantly associated with DCM regardless of their position in titin (Schafer, 2017). Based on the available evidence, this alteration is classified as likely pathogenic.

Literature cited by the submitters: PubMed 25589632 (cited by Labcorp Genetics (formerly Invitae), Labcorp and Ambry Genetics); PubMed 23975875 (cited by Labcorp Genetics (formerly Invitae), Labcorp); PubMed 22335739 (cited by Ambry Genetics); PubMed 27869827 (cited by Ambry Genetics).

NM_001267550.2(TTN):c.82888C>T (p.Gln27630Ter)

Genes: TTN (titin; minus strand), TTN-AS1 (TTN antisense RNA 1; plus strand). Cytogenetic location: 2q31.2.
Variant type: single nucleotide variant.
Coding change: c.82888C>T on transcript NM_001267550.2 (MANE Select); coding-DNA position 82888, C replaced by T.
Protein change: p.Gln27630Ter; replaces glutamine 27630 with a stop codon.
Molecular consequence: nonsense.
Genome position (GRCh38, 1-based): chr2:178,563,244, G>A on the plus strand (C>T on the coding strand, the complement: TTN is on the minus strand). VCF-style: chr2-178563244-G-A. GRCh37 (hg19) VCF-style: chr2-179427971-G-A.
Other names: c.77965C>T, p.Gln25989Ter (NM_001256850.1); c.55693C>T, p.Gln18565Ter (NM_003319.4); c.75184C>T, p.Gln25062Ter (NM_133378.4); c.56068C>T, p.Gln18690Ter (NM_133432.3); c.56269C>T, p.Gln18757Ter (NM_133437.4); short protein forms Q25989*, Q18690*, Q25062*, Q18757*, Q27630*, Q18565*.
Identifiers: ClinVar variation 2323782 (VCV002323782.4), dbSNP rs2468154852, ClinGen allele CA349570825.